The following is an entry in ClinVar:

ClinVar aggregate classification (germline): Uncertain significance (1 of 4 stars; one submission).

Conditions:
Genitopatellar syndrome (GTPTS). Also called: ABSENT PATELLAE, SCROTAL HYPOPLASIA, RENAL ANOMALIES, FACIAL DYSMORPHISM, AND MENTAL RETARDATION; Genitopatellar syndrome (GPS). Identifiers: Orphanet 85201, MedGen C1853566, MONDO:0011640, OMIM 606170.

Allele frequency attached by ClinVar (database versions not stated): gnomAD exomes below 0.00001; ExAC 0.00001.
gnomAD v4.1: 1 of 1,614,176 alleles (0.000062%); highest among the groups gnomAD compares: Non-Finnish European, 0.000085%; no homozygotes.

Submission:

Labcorp Genetics (formerly Invitae), Labcorp
Classification: Uncertain significance for Genitopatellar syndrome. Last evaluated: 2025-07-07. Review status: criteria provided, single submitter. Criteria: Invitae Variant Classification Sherloc (09022015). Collection method: clinical testing. Allele origin: germline.
Comment: This sequence change replaces threonine, which is neutral and polar, with alanine, which is neutral and non-polar, at codon 383 of the KAT6B protein (p.Thr383Ala). This variant is present in population databases (rs759569291, gnomAD 0.0009%). This variant has not been reported in the literature in individuals affected with KAT6B-related conditions. ClinVar contains an entry for this variant (Variation ID: 2977858). An algorithm developed to predict the effect of missense changes on protein structure and function (PolyPhen-2) suggests that this variant is likely to be disruptive. In summary, the available evidence is currently insufficient to determine the role of this variant in disease. Therefore, it has been classified as a Variant of Uncertain Significance.

NM_012330.4(KAT6B):c.1147A>G (p.Thr383Ala)

Gene: KAT6B (lysine acetyltransferase 6B; plus strand). Cytogenetic location: 10q22.2.
Variant type: single nucleotide variant.
Coding change: c.1147A>G on transcript NM_012330.4 (MANE Select); coding-DNA position 1147, A replaced by G.
Protein change: p.Thr383Ala; replaces threonine 383 with alanine.
Molecular consequence: missense variant. On other transcripts: intron variant (11).
Genome position (GRCh38, 1-based): chr10:74,975,484, A>G. VCF-style: chr10-74975484-A-G. GRCh37 (hg19) VCF-style: chr10-76735242-A-G.
Other names: c.1147A>G, p.Thr383Ala (NM_001256468.2, NM_001370136.1, NM_001370137.1 and 1 more transcripts); c.1117+30A>G (NM_001370139.1, NM_001370140.1, NM_001370141.1 and 3 more transcripts); c.846+5709A>G (NM_001370133.1); c.193-3740A>G (NM_001370134.1); c.929-1832A>G (NM_001370143.1, NM_001370144.1); c.193-13535A>G (NM_001370135.1); short protein forms T383A.
Identifiers: ClinVar variation 2977858 (VCV002977858.3), dbSNP rs759569291, ClinGen allele CA5564367.